The following is an entry in ClinVar:

NM_033004.4(NLRP1):c.551G>A (p.Gly184Glu)

Gene: NLRP1 (NLR family pyrin domain containing 1; minus strand). Cytogenetic location: 17p13.2.
Variant type: single nucleotide variant.
Coding change: c.551G>A on transcript NM_033004.4 (MANE Select); coding-DNA position 551, G replaced by A.
Protein change: p.Gly184Glu; replaces glycine 184 with glutamic acid.
Molecular consequence: missense variant.
Genome position (GRCh38, 1-based): chr17:5,581,960, C>T on the plus strand (G>A on the coding strand, the complement: NLRP1 is on the minus strand). VCF-style: chr17-5581960-C-T. GRCh37 (hg19) VCF-style: chr17-5485280-C-T.
Other names: c.551G>A, p.Gly184Glu (NM_001033053.3, NM_014922.5, NM_033006.4 and 1 more transcripts); short protein forms G184E.
Identifiers: ClinVar variation 2170812 (VCV002170812.6), dbSNP rs199715204, ClinGen allele CA287291582.

ClinVar aggregate classification (germline): Uncertain significance. Review status: criteria provided, multiple submitters, no conflicts (2 of 4 stars). 2 submissions from 2 submitters: Uncertain significance (2). Last evaluated 2024-10-25.

Conditions:
Inborn genetic diseases. Identifiers: MedGen C0950123, MeSH D030342.

Allele frequency attached by ClinVar (database versions not stated): gnomAD exomes below 0.00001; gnomAD 0.00004; TOPMed 0.00006.
gnomAD v4.1: 11 of 1,613,742 alleles (0.00068%); highest among the groups gnomAD compares: African/African-American, 0.013%; no homozygotes.

Submissions (2):

Labcorp Genetics (formerly Invitae), Labcorp
Classification: Uncertain significance. Last evaluated: 2024-10-25. Review status: criteria provided, single submitter. Criteria: Invitae Variant Classification Sherloc (09022015). Collection method: clinical testing. Allele origin: germline.
Comment: This sequence change replaces glycine, which is neutral and non-polar, with glutamic acid, which is acidic and polar, at codon 184 of the NLRP1 protein (p.Gly184Glu). This variant is present in population databases (rs199715204, gnomAD 0.01%). This variant has not been reported in the literature in individuals affected with NLRP1-related conditions. ClinVar contains an entry for this variant (Variation ID: 2170812). An algorithm developed to predict the effect of missense changes on protein structure and function outputs the following: PolyPhen-2: "Benign". The glutamic acid amino acid residue is found in multiple mammalian species, which suggests that this missense change does not adversely affect protein function. In summary, the available evidence is currently insufficient to determine the role of this variant in disease. Therefore, it has been classified as a Variant of Uncertain Significance.

Ambry Genetics
Classification: Uncertain significance for Inborn genetic diseases. Last evaluated: 2023-08-21. Review status: criteria provided, single submitter. Criteria: Ambry Variant Classification Scheme 2023. Collection method: clinical testing. Allele origin: germline.